The following is an entry in ClinVar:

ClinVar aggregate classification (germline): Likely benign. Review status: criteria provided, single submitter (1 of 4 stars). 2 submissions from 2 submitters: Likely benign (1). 1 of the submissions does not count toward it. Last evaluated 2019-12-31.

Conditions:
CCDC141-related disorder. Also called: CCDC141-related condition.

Allele frequency attached by ClinVar (database versions not stated): gnomAD exomes 0.00001 and 0.00004; ExAC 0.00002; TOPMed 0.00003; gnomAD 0.00004 and 0.00006; ESP Exome Variant Server 0.00008; 1000 Genomes Project 30x 0.00016; 1000 Genomes Project 0.00020.
gnomAD v4.1: 25 of 1,613,038 alleles (0.0015%); highest among the groups gnomAD compares: African/African-American, 0.011%; no homozygotes.

Submissions (2):

Labcorp Genetics (formerly Invitae), Labcorp
Classification: Likely benign. Last evaluated: 2019-12-31. Review status: criteria provided, single submitter. Criteria: Invitae Variant Classification Sherloc (09022015). Collection method: clinical testing. Allele origin: germline.

PreventionGenetics, part of Exact Sciences
Classification: Likely benign for CCDC141-related condition. Last evaluated: 2019-03-13. Review status: no assertion criteria provided. Collection method: clinical testing. Allele origin: germline. Not counted in ClinVar's aggregate classification.
Comment: This variant is classified as likely benign based on ACMG/AMP sequence variant interpretation guidelines (Richards et al. 2015 PMID: 25741868, with internal and published modifications).

NM_173648.4(CCDC141):c.2346C>T (p.Tyr782=)

Gene: CCDC141 (coiled-coil domain containing 141; minus strand). Cytogenetic location: 2q31.2.
Variant type: single nucleotide variant.
Coding change: c.2346C>T on transcript NM_173648.4 (MANE Select); coding-DNA position 2346, C replaced by T.
Protein change: p.Tyr782=; no amino-acid change (tyrosine 782 retained).
Molecular consequence: synonymous variant.
Genome position (GRCh38, 1-based): chr2:178,869,165, G>A on the plus strand (C>T on the coding strand, the complement: CCDC141 is on the minus strand). VCF-style: chr2-178869165-G-A. GRCh37 (hg19) VCF-style: chr2-179733892-G-A.
Identifiers: ClinVar variation 728648 (VCV000728648.6), dbSNP rs150796414, ClinGen allele CA2007056.